The following is an entry in ClinVar:

NM_003850.3(SUCLA2):c.857A>G (p.Lys286Arg)

Gene: SUCLA2 (succinate-CoA ligase ADP-forming subunit beta; minus strand). Cytogenetic location: 13q14.2.
Variant type: single nucleotide variant.
Coding change: c.857A>G on transcript NM_003850.3 (MANE Select); coding-DNA position 857, A replaced by G.
Protein change: p.Lys286Arg; replaces lysine 286 with arginine.
Molecular consequence: missense variant.
Genome position (GRCh38, 1-based): chr13:47,954,503, T>C on the plus strand (A>G on the coding strand, the complement: SUCLA2 is on the minus strand). VCF-style: chr13-47954503-T-C. GRCh37 (hg19) VCF-style: chr13-48528638-T-C.
Other names: short protein forms K286R.
Identifiers: ClinVar variation 1944773 (VCV001944773.5), dbSNP rs777875387, ClinGen allele CA6977893.

ClinVar aggregate classification (germline): Uncertain significance (1 of 4 stars; one submission).

Conditions:
Mitochondrial DNA depletion syndrome, encephalomyopathic form with methylmalonic aciduria (MTDPS5). Also called: SUCLA2-Related Mitochondrial DNA Depletion Syndrome, Encephalomyopathic Form with Methylmalonic Aciduria; Mitochondrial encephalomyopathy aminoacidopathy; MITOCHONDRIAL DNA DEPLETION SYNDROME, ENCEPHALOMYOPATHIC FORM, WITH OR WITHOUT METHYLMALONIC ACIDURIA, AUTOSOMAL RECESSIVE, SUCLA2-RELATED; Mitochondrial DNA depletion syndrome 5 (encephalomyopathic with or without methylmalonic aciduria). Identifiers: Orphanet 1933, MedGen C5980207, MONDO:0012791, OMIM 612073.

Allele frequency attached by ClinVar (database versions not stated): ExAC 0.00001; TOPMed 0.00001; gnomAD 0.00002.
gnomAD v4.1: 3 of 1,613,812 alleles (0.00019%); highest among the groups gnomAD compares: African/African-American, 0.004%; no homozygotes.

Submission:

Labcorp Genetics (formerly Invitae), Labcorp
Classification: Uncertain significance for Mitochondrial DNA depletion syndrome, encephalomyopathic form with methylmalonic aciduria. Last evaluated: 2022-04-09. Review status: criteria provided, single submitter. Criteria: Invitae Variant Classification Sherloc (09022015). Collection method: clinical testing. Allele origin: germline.
Comment: This sequence change replaces lysine, which is basic and polar, with arginine, which is basic and polar, at codon 286 of the SUCLA2 protein (p.Lys286Arg). This variant is present in population databases (rs777875387, gnomAD 0.01%). This variant has not been reported in the literature in individuals affected with SUCLA2-related conditions. Algorithms developed to predict the effect of missense changes on protein structure and function are either unavailable or do not agree on the potential impact of this missense change (SIFT: "Tolerated"; PolyPhen-2: "Possibly Damaging"; Align-GVGD: "Class C0"). In summary, the available evidence is currently insufficient to determine the role of this variant in disease. Therefore, it has been classified as a Variant of Uncertain Significance.